The following is an entry in ClinVar:

ClinVar aggregate classification (germline): Uncertain significance (1 of 4 stars; one submission).

Conditions:
DICER1-related tumor predisposition. Also called: DICER1 syndrome; DICER1-related pleuropulmonary blastoma cancer predisposition syndrome. Identifiers: Orphanet 284343, MedGen C3839822, MONDO:0100216.

Submission:

Labcorp Genetics (formerly Invitae), Labcorp
Classification: Uncertain significance for DICER1-related tumor predisposition. Last evaluated: 2019-09-06. Review status: criteria provided, single submitter. Criteria: Invitae Variant Classification Sherloc (09022015). Collection method: clinical testing. Allele origin: germline.
Comment: This sequence change replaces aspartic acid with alanine at codon 1654 of the DICER1 protein (p.Asp1654Ala). The aspartic acid residue is highly conserved and there is a moderate physicochemical difference between aspartic acid and alanine. This variant is not present in population databases (ExAC no frequency). In summary, the available evidence is currently insufficient to determine the role of this variant in disease. Therefore, it has been classified as a Variant of Uncertain Significance. Algorithms developed to predict the effect of missense changes on protein structure and function are either unavailable or do not agree on the potential impact of this missense change (SIFT: "Deleterious"; PolyPhen-2: "Benign"; Align-GVGD: "Class C45"). This variant has not been reported in the literature in individuals with DICER1-related conditions.

NM_177438.3(DICER1):c.4961A>C (p.Asp1654Ala)

Gene: DICER1 (dicer 1, ribonuclease III; minus strand). Cytogenetic location: 14q32.13.
Variant type: single nucleotide variant.
Coding change: c.4961A>C on transcript NM_177438.3 (MANE Select); coding-DNA position 4961, A replaced by C.
Protein change: p.Asp1654Ala; replaces aspartic acid 1654 with alanine.
Molecular consequence: missense variant.
Genome position (GRCh38, 1-based): chr14:95,095,959, T>G on the plus strand (A>C on the coding strand, the complement: DICER1 is on the minus strand). VCF-style: chr14-95095959-T-G. GRCh37 (hg19) VCF-style: chr14-95562296-T-G.
Other names: c.4961A>C, p.Asp1654Ala (NM_001195573.1, NM_001271282.3, NM_001291628.2 and 1 more transcripts); short protein forms D1654A.
Identifiers: ClinVar variation 939632 (VCV000939632.11), dbSNP rs1595338147, ClinGen allele CA390866219.